The following is an entry in ClinVar:

ClinVar aggregate classification (germline): Conflicting classifications of pathogenicity. Review status: criteria provided, conflicting classifications (1 of 4 stars). 5 submissions from 5 submitters: Uncertain significance (4); Likely benign (1). Last evaluated 2025-10-30.

Conditions:
Inborn genetic diseases. Identifiers: MedGen C0950123, MeSH D030342.

Allele frequency attached by ClinVar (database versions not stated): ESP Exome Variant Server 0.00008; gnomAD 0.00009; ExAC 0.00010; TOPMed 0.00011; gnomAD exomes 0.00018.
gnomAD v4.1: 276 of 1,607,952 alleles (0.017%); highest among the groups gnomAD compares: Middle Eastern, 0.033%; no homozygotes.

Submissions (5):

Mayo Clinic Laboratories, Mayo Clinic
Classification: Uncertain significance. Last evaluated: 2025-10-30. Review status: criteria provided, single submitter. Criteria: ACMG Guidelines, 2015. Collection method: clinical testing. Allele origin: germline. Observed: 1 variant allele.
Comment: BP4_moderate

Blueprint Genetics
Classification: Likely benign. Last evaluated: 2024-11-15. Review status: criteria provided, single submitter. Criteria: ACMG Guidelines, 2015. Collection method: clinical testing. Allele origin: germline.

GeneDx
Classification: Uncertain significance. Last evaluated: 2024-06-12. Review status: criteria provided, single submitter. Criteria: GeneDx Variant Classification Process June 2021. Collection method: clinical testing. Allele origin: germline. Affected: yes.
Comment: In silico analysis indicates that this missense variant does not alter protein structure/function; Has not been previously published as pathogenic or benign to our knowledge

Labcorp Genetics (formerly Invitae), Labcorp
Classification: Uncertain significance. Last evaluated: 2022-08-16. Review status: criteria provided, single submitter. Criteria: Invitae Variant Classification Sherloc (09022015). Collection method: clinical testing. Allele origin: germline.
Comment: This sequence change replaces glycine, which is neutral and non-polar, with serine, which is neutral and polar, at codon 317 of the MLC1 protein (p.Gly317Ser). This variant is present in population databases (rs145180481, gnomAD 0.02%). This variant has not been reported in the literature in individuals affected with MLC1-related conditions. Algorithms developed to predict the effect of missense changes on protein structure and function output the following: SIFT: "Tolerated"; PolyPhen-2: "Benign"; Align-GVGD: "Class C0". The serine amino acid residue is found in multiple mammalian species, which suggests that this missense change does not adversely affect protein function. In summary, the available evidence is currently insufficient to determine the role of this variant in disease. Therefore, it has been classified as a Variant of Uncertain Significance.

Ambry Genetics
Classification: Uncertain significance for Inborn genetic diseases. Last evaluated: 2021-04-20. Review status: criteria provided, single submitter. Criteria: Ambry Variant Classification Scheme 2023. Collection method: clinical testing. Allele origin: germline.
Comment: The c.949G>A (p.G317S) alteration is located in exon 11 (coding exon 10) of the MLC1 gene. This alteration results from a G to A substitution at nucleotide position 949, causing the glycine (G) at amino acid position 317 to be replaced by a serine (S). The p.G317S alteration is predicted to be tolerated by in silico analysis. Based on insufficient or conflicting evidence, the clinical significance of this alteration remains unclear.

NM_015166.4(MLC1):c.949G>A (p.Gly317Ser)

Gene: MLC1 (modulator of VRAC current 1; minus strand). Cytogenetic location: 22q13.33.
Variant type: single nucleotide variant.
Coding change: c.949G>A on transcript NM_015166.4 (MANE Select); coding-DNA position 949, G replaced by A.
Protein change: p.Gly317Ser; replaces glycine 317 with serine.
Molecular consequence: missense variant. On other transcripts: non-coding transcript variant (3).
Genome position (GRCh38, 1-based): chr22:50,064,144, C>T on the plus strand (G>A on the coding strand, the complement: MLC1 is on the minus strand). VCF-style: chr22-50064144-C-T. GRCh37 (hg19) VCF-style: chr22-50502573-C-T.
Other names: p.Gly317Ser; c.949G>A, p.Gly317Ser (NM_001376472.1, NM_001376473.1, NM_001376474.1 and 5 more transcripts); c.892G>A, p.Gly298Ser (NM_001376479.1); c.859G>A, p.Gly287Ser (NM_001376480.1); c.847G>A, p.Gly283Ser (NM_001376481.1); c.793G>A, p.Gly265Ser (NM_001376482.1, NM_001376483.1); c.712G>A, p.Gly238Ser (NM_001376484.1); c.949G>A (NM_015166.3); short protein forms G265S, G283S, G298S, G238S, G287S, G317S.
Identifiers: ClinVar variation 2184179 (VCV002184179.5), dbSNP rs145180481, ClinGen allele CA10303288.